The following is an entry in ClinVar:

ClinVar aggregate classification (germline): Likely benign. Review status: criteria provided, multiple submitters, no conflicts (2 of 4 stars). 2 submissions from 2 submitters: Likely benign (2). Last evaluated 2024-02-29.

Conditions:
Cystic fibrosis (CF). Also called: MUCOVISCIDOSIS. Identifiers: Orphanet 586, MedGen C0010674, MONDO:0009061, OMIM 219700. Disease mechanism: loss of function.

Submissions (2):

Labcorp Genetics (formerly Invitae), Labcorp
Classification: Likely benign for Cystic fibrosis. Last evaluated: 2024-02-29. Review status: criteria provided, single submitter. Criteria: Invitae Variant Classification Sherloc (09022015). Collection method: clinical testing. Allele origin: germline.

Women's Health and Genetics/Laboratory Corporation of America, LabCorp
Classification: Likely benign. Last evaluated: 2023-09-08. Review status: criteria provided, single submitter. Criteria: LabCorp Variant Classification Summary - May 2015. Collection method: clinical testing. Allele origin: germline.
Comment: Variant summary: CFTR c.1392+12G>C alters a non-conserved nucleotide located at a position not widely known to affect splicing. Consensus agreement among computation tools predict no significant impact on normal splicing. However, these predictions have yet to be confirmed by functional studies. The variant was absent in 235866 control chromosomes (gnomAD). The available data on variant occurrences in the general population are insufficient to allow any conclusion about variant significance. To our knowledge, no occurrence of c.1392+12G>C in individuals affected with Chronic Pancreatitis Risk and no experimental evidence demonstrating its impact on protein function have been reported. No submitters have cited clinical-significance assessments for this variant to ClinVar after 2014. Based on the evidence outlined above, the variant was classified as likely benign.

NM_000492.4(CFTR):c.1392+12G>C

Genes: CFTR (CF transmembrane conductance regulator; plus strand), CFTR-AS1 (CFTR antisense RNA 1; minus strand). Cytogenetic location: 7q31.2.
Variant type: single nucleotide variant.
Coding change: c.1392+12G>C on transcript NM_000492.4 (MANE Select); 12 bases into the intron after coding-DNA position 1392, G replaced by C.
Molecular consequence: intron variant.
Genome position (GRCh38, 1-based): chr7:117,548,835, G>C. VCF-style: chr7-117548835-G-C. GRCh37 (hg19) VCF-style: chr7-117188889-G-C.
Identifiers: ClinVar variation 2627162 (VCV002627162.3), dbSNP rs2896226, ClinGen allele CA577216262.
Genomic context (GRCh38, chr7:117,548,835, plus strand): 5'-AGAAAGAGGACAGTTGTTGGCGGTTGCTGGATCCACTGGAGCAGGCAAGGTAGTTCTTTT[G>C]TTCTTCACTATTAAGAACTTAATTTGGTGTCCATGTCTCTTTTTTTTTCTAGTTTGTAGT-3'